The following is an entry in ClinVar:

ClinVar aggregate classification (germline): Likely benign (1 of 4 stars; one submission).

Submission:

CeGaT Center for Human Genetics Tuebingen
Classification: Likely benign. Last evaluated: 2025-02-01. Review status: criteria provided, single submitter. Criteria: CeGaT Center For Human Genetics Tuebingen Variant Classification Criteria Version 2. Collection method: clinical testing. Allele origin: germline. Affected: yes. Observed: 1 variant allele.
Comment: AHNAK: BP4, BP7

NM_001620.3(AHNAK):c.12789T>C (p.Asp4263=)

Gene: AHNAK (AHNAK nucleoprotein; minus strand). Cytogenetic location: 11q12.3.
Variant type: single nucleotide variant.
Coding change: c.12789T>C on transcript NM_001620.3 (MANE Select); coding-DNA position 12789, T replaced by C.
Protein change: p.Asp4263=; no amino-acid change (aspartic acid 4263 retained).
Molecular consequence: synonymous variant. On other transcripts: intron variant (1).
Genome position (GRCh38, 1-based): chr11:62,521,628, A>G on the plus strand (T>C on the coding strand, the complement: AHNAK is on the minus strand). VCF-style: chr11-62521628-A-G. GRCh37 (hg19) VCF-style: chr11-62289100-A-G.
Other names: c.12789T>C, p.Asp4263= (NM_001346445.2, NM_001346446.2); c.342+13375T>C (NM_024060.4).
Identifiers: ClinVar variation 3771419 (VCV003771419.13).